The following is an entry in ClinVar:

NM_001903.5(CTNNA1):c.887dup (p.Ser297fs)

Gene: CTNNA1 (catenin alpha 1; plus strand). Cytogenetic location: 5q31.2.
Variant type: Duplication.
Coding change: c.887dup on transcript NM_001903.5 (MANE Select); coding-DNA position 887, one base duplicated (T; older notation c.887dupT).
Protein change: p.Ser297fs; shifts the reading frame from serine 297.
Molecular consequence: frameshift variant.
Genome position (GRCh38, 1-based): chr5:138,827,543, T duplicated; the last of 2 consecutive T bases (chr5:138,827,542-138,827,543); duplicating either gives the same sequence. VCF-style (leftmost placement, unchanged base first): chr5-138827541-C-CT. GRCh37 (hg19) VCF-style: chr5-138163230-C-CT.
Other names: c.887dup, p.Ser297fs (NM_001290307.3, NM_001323982.2, NM_001323983.1 and 3 more transcripts); c.578dup, p.Ser194fs (NM_001290309.3); c.518dup, p.Ser174fs (NM_001290310.3); short protein forms S174fs, S194fs, S297fs.
Identifiers: ClinVar variation 3254375 (VCV003254375.1), dbSNP rs2532446276.

ClinVar aggregate classification (germline): Pathogenic (1 of 4 stars; one submission).

Conditions:
Hereditary diffuse gastric adenocarcinoma (HDGC). Also called: DIFFUSE GASTRIC AND LOBULAR BREAST CANCER SYNDROME. Identifiers: Orphanet 26106, MedGen C1708349, MONDO:0007648, OMIM 137215.

Submission:

Myriad Genetics, Inc.
Classification: Pathogenic for Hereditary diffuse gastric adenocarcinoma. Last evaluated: 2024-04-25. Review status: criteria provided, single submitter. Criteria: Myriad Autosomal Dominant, Autosomal Recessive and X-Linked Classification Criteria (2023). Collection method: clinical testing. Allele origin: unknown.
Comment: This variant is considered pathogenic. This variant creates a frameshift predicted to result in premature protein truncation.